The following is an entry in ClinVar:

NM_000229.2(LCAT):c.1027C>A (p.Leu343Met)

Gene: LCAT (lecithin-cholesterol acyltransferase; minus strand). Cytogenetic location: 16q22.1.
Variant type: single nucleotide variant.
Coding change: c.1027C>A on transcript NM_000229.2 (MANE Select); coding-DNA position 1027, C replaced by A.
Protein change: p.Leu343Met; replaces leucine 343 with methionine.
Molecular consequence: missense variant.
Genome position (GRCh38, 1-based): chr16:67,940,200, G>T on the plus strand (C>A on the coding strand, the complement: LCAT is on the minus strand). VCF-style: chr16-67940200-G-T. GRCh37 (hg19) VCF-style: chr16-67974103-G-T.
Other names: short protein forms L343M.
Identifiers: ClinVar variation 1314356 (VCV001314356.2), dbSNP rs772762775, ClinGen allele CA396375836.

ClinVar aggregate classification (germline): Uncertain significance (1 of 4 stars; one submission).

Allele frequency attached by ClinVar (database versions not stated): TOPMed below 0.00001; gnomAD 0.00001.
gnomAD v4.1: 3 of 1,612,750 alleles (0.00019%); highest among the groups gnomAD compares: Non-Finnish European, 0.00025%; no homozygotes.

Submission:

GeneDx
Classification: Uncertain significance. Last evaluated: 2021-04-05. Review status: criteria provided, single submitter. Criteria: GeneDx Variant Classification Process June 2021. Collection method: clinical testing. Allele origin: germline. Affected: yes.
Comment: Has not been previously published as pathogenic or benign to our knowledge; Observed in cis with c.1028 T>G in 3/280846 (0.001%) alleles in the gnomAD dataset (Lek et al., 2016); In silico analysis supports that this missense variant does not alter protein structure/function